The following is an entry in ClinVar:

ClinVar aggregate classification (germline): Benign. Review status: criteria provided, multiple submitters, no conflicts (2 of 4 stars). 2 submissions from 2 submitters: Benign (2). Last evaluated 2026-01-21.

Allele frequency attached by ClinVar (database versions not stated): gnomAD 0.00121 and 0.00189; gnomAD exomes 0.00148 and 0.00389; TOPMed 0.00220; ExAC 0.00364; 1000 Genomes Project 30x 0.01187; 1000 Genomes Project 0.01298; ESP Exome Variant Server 0.00008.
gnomAD v4.1: 2,470 of 1,613,470 alleles (0.15%); highest among the groups gnomAD compares: East Asian, 4.8%; 53 homozygotes.

Submissions (2):

Labcorp Genetics (formerly Invitae), Labcorp
Classification: Benign. Last evaluated: 2026-01-21. Review status: criteria provided, single submitter. Criteria: Invitae Variant Classification Sherloc (09022015). Collection method: clinical testing. Allele origin: germline.

Mayo Clinic Laboratories, Mayo Clinic
Classification: Benign. Last evaluated: 2025-04-10. Review status: criteria provided, single submitter. Criteria: ACMG Guidelines, 2015. Collection method: clinical testing. Allele origin: germline. Observed: 2 variant alleles.
Comment: BS1, BS2, BP4, BP7

NM_001378457.1(DMXL2):c.5946C>T (p.His1982=)

Gene: DMXL2 (Dmx like 2; minus strand). Cytogenetic location: 15q21.2.
Variant type: single nucleotide variant.
Coding change: c.5946C>T on transcript NM_001378457.1 (MANE Select); coding-DNA position 5946, C replaced by T.
Protein change: p.His1982=; no amino-acid change (histidine 1982 retained).
Molecular consequence: synonymous variant. On other transcripts: non-coding transcript variant (2).
Genome position (GRCh38, 1-based): chr15:51,481,160, G>A on the plus strand (C>T on the coding strand, the complement: DMXL2 is on the minus strand). VCF-style: chr15-51481160-G-A. GRCh37 (hg19) VCF-style: chr15-51773357-G-A.
Other names: p.His1982=; c.5946C>T, p.His1982= (NM_001174116.3, NM_001378458.1, NM_001378459.1 and 4 more transcripts); c.4038C>T, p.His1346= (NM_001174117.3); c.3927C>T, p.His1309= (NM_001378460.1); c.5706C>T, p.His1902= (NM_001378464.1); c.5946C>T (NM_001174116.2).
Identifiers: ClinVar variation 728579 (VCV000728579.11), dbSNP rs3751584, ClinGen allele CA7561714.